The following is an entry in ClinVar:

NM_032603.5(LOXL3):c.684C>T (p.Ala228=)

Genes: LOXL3 (lysyl oxidase like 3; minus strand), DOK1 (docking protein 1; plus strand). Cytogenetic location: 2p13.1.
Variant type: single nucleotide variant.
Coding change: c.684C>T on transcript NM_032603.5 (MANE Select); coding-DNA position 684, C replaced by T.
Protein change: p.Ala228=; no amino-acid change (alanine 228 retained).
Molecular consequence: synonymous variant. On other transcripts: 5 prime UTR variant (1), intron variant (2).
Genome position (GRCh38, 1-based): chr2:74,549,377, G>A on the plus strand (C>T on the coding strand, the complement: LOXL3 is on the minus strand). VCF-style: chr2-74549377-G-A. GRCh37 (hg19) VCF-style: chr2-74776504-G-A.
Other names: c.-180C>T (NM_001289165.2); c.477+808C>T (NM_001289164.3); c.-358+205G>A (NM_001197260.2).
Identifiers: ClinVar variation 1561127 (VCV001561127.10), dbSNP rs367759468, ClinGen allele CA1729124.

ClinVar aggregate classification (germline): Likely benign. Review status: criteria provided, single submitter (1 of 4 stars). 2 submissions from 2 submitters: Likely benign (1). 1 of the submissions does not count toward it. Last evaluated 2025-09-19.

Conditions:
LOXL3-related disorder. Also called: LOXL3-related condition.

Allele frequency attached by ClinVar (database versions not stated): ESP Exome Variant Server 0.00031; gnomAD exomes 0.00009 and 0.00003; TOPMed 0.00040; 1000 Genomes Project 30x 0.00016; ExAC 0.00027; 1000 Genomes Project 0.00020; gnomAD 0.00042 and 0.00045.
gnomAD v4.1: 106 of 1,604,608 alleles (0.0066%); highest among the groups gnomAD compares: African/African-American, 0.14%; no homozygotes.

Submissions (2):

Labcorp Genetics (formerly Invitae), Labcorp
Classification: Likely benign. Last evaluated: 2025-09-19. Review status: criteria provided, single submitter. Criteria: Invitae Variant Classification Sherloc (09022015). Collection method: clinical testing. Allele origin: germline.

PreventionGenetics, part of Exact Sciences
Classification: Likely benign for LOXL3-related condition. Last evaluated: 2022-12-22. Review status: no assertion criteria provided. Collection method: clinical testing. Allele origin: germline. Not counted in ClinVar's aggregate classification.
Comment: This variant is classified as likely benign based on ACMG/AMP sequence variant interpretation guidelines (Richards et al. 2015 PMID: 25741868, with internal and published modifications).